The following is an entry in ClinVar:

NM_000478.6(ALPL):c.250G>A (p.Glu84Lys)

Gene: ALPL (alkaline phosphatase, biomineralization associated; plus strand). Cytogenetic location: 1p36.12.
Variant type: single nucleotide variant.
Coding change: c.250G>A on transcript NM_000478.6 (MANE Select); coding-DNA position 250, G replaced by A.
Protein change: p.Glu84Lys; replaces glutamic acid 84 with lysine.
Molecular consequence: missense variant. On other transcripts: intron variant (1).
Genome position (GRCh38, 1-based): chr1:21,561,165, G>A. VCF-style: chr1-21561165-G-A. GRCh37 (hg19) VCF-style: chr1-21887658-G-A.
Other names: c.85G>A, p.Glu29Lys (NM_001127501.4); c.250G>A, p.Glu84Lys (NM_001369803.2, NM_001369804.2, NM_001369805.2); c.66+420G>A (NM_001177520.3); short protein forms E29K, E84K.
Identifiers: ClinVar variation 4086920 (VCV004086920.3).

ClinVar aggregate classification (germline): Pathogenic. Review status: criteria provided, multiple submitters, no conflicts (2 of 4 stars). 2 submissions from 2 submitters: Pathogenic (2). Last evaluated 2026-09-01.

Conditions:
Hypophosphatasia. Also called: Phosphoethanol-aminuria. Identifiers: Orphanet 436, MedGen C0020630, MeSH D007014, MONDO:0018570.

Submissions (2):

Genomenon, Inc
Classification: Pathogenic for Hypophosphatasia. Last evaluated: 2026-09-01. Review status: criteria provided, single submitter. Criteria: Genomenon Sequence Variant Interpretation Standards - Updated. Collection method: curation. Allele origin: germline. Affected: yes.
Comment: ALPL p.Glu84Lys (c.250G>A) is a missense variant that changes the amino acid at codon 84 from Glutamic acid to Lysine. This variant has been observed in at least one proband affected with an ALPL-related disorder (PMID:36361766;37600704). At least one functional study has demonstrated a substantial alteration in protein function relative to the wild-type (PMID:41294821). It is absent or not present at a significant frequency in gnomAD. In silico models predict that this variant is possibly or probably damaging. In conclusion, we classify ALPL p.Glu84Lys (c.250G>A) as a pathogenic variant.

Labcorp Genetics (formerly Invitae), Labcorp
Classification: Pathogenic. Last evaluated: 2025-08-10. Review status: criteria provided, single submitter. Criteria: Invitae Variant Classification Sherloc (09022015). Collection method: clinical testing. Allele origin: germline.
Comment: This sequence change replaces glutamic acid, which is acidic and polar, with lysine, which is basic and polar, at codon 84 of the ALPL protein (p.Glu84Lys). This variant is not present in population databases (gnomAD no frequency). This missense change has been observed in individual(s) with clinical features of hypophosphatasia (PMID: 36361766; internal data). Invitae Evidence Modeling of protein sequence and biophysical properties (such as structural, functional, and spatial information, amino acid conservation, physicochemical variation, residue mobility, and thermodynamic stability) indicates that this missense variant is expected to disrupt ALPL protein function with a positive predictive value of 95%. For these reasons, this variant has been classified as Pathogenic.

Literature cited by the submitters: PubMed 36361766 (cited by Genomenon, Inc and Labcorp Genetics (formerly Invitae), Labcorp); PubMed 37600704 (cited by Genomenon, Inc); PubMed 41294821 (cited by Genomenon, Inc).